The following is an entry in ClinVar:

NM_001130009.3(GEN1):c.1933_1936del (p.Lys645fs)

Gene: GEN1 (GEN1 structure-specific endonuclease; plus strand). Cytogenetic location: 2p24.2.
Variant type: Microsatellite.
Coding change: c.1933_1936del on transcript NM_001130009.3 (MANE Select); coding-DNA positions 1933 to 1936, 4 bases deleted (AAAG; older notation c.1933_1936delAAAG).
Protein change: p.Lys645fs; shifts the reading frame from lysine 645.
Molecular consequence: frameshift variant.
Genome position (GRCh38, 1-based): chr2:17,781,145-17,781,148, AAAG deleted; deleting any 4 consecutive bases within chr2:17,781,141-17,781,148 gives the same sequence; the c. name uses the placement nearest the transcript's 3' end. VCF-style (leftmost placement, unchanged base first): chr2-17781140-TAAAG-T. GRCh37 (hg19) VCF-style: chr2-17962407-TAAAG-T.
Other names: c.1933_1936del, p.Lys645fs (NM_182625.5); short protein forms K645fs.
Identifiers: ClinVar variation 952990 (VCV000952990.7), dbSNP rs757838363, ClinGen allele CA1540854.

ClinVar aggregate classification (germline): Uncertain significance (1 of 4 stars; one submission).

Submission:

Labcorp Genetics (formerly Invitae), Labcorp
Classification: Uncertain significance. Last evaluated: 2025-11-03. Review status: criteria provided, single submitter. Criteria: Invitae Variant Classification Sherloc (09022015). Collection method: clinical testing. Allele origin: germline.
Comment: This sequence change creates a premature translational stop signal (p.Lys645Cysfs*29) in the GEN1 gene. While this is not anticipated to result in nonsense mediated decay, it is expected to disrupt the last 264 amino acid(s) of the GEN1 protein. This variant is present in population databases (rs757838363, gnomAD 0.01%). This premature translational stop signal has been observed in individual(s) with breast cancer and/or colorectal cancer (PMID: 29478780, 32029870). This variant is also known as c.1929_1932del. ClinVar contains an entry for this variant (Variation ID: 952990). Experimental studies and prediction algorithms are not available or were not evaluated, and the functional significance of this variant is currently unknown. In summary, the available evidence is currently insufficient to determine the role of this variant in disease. Therefore, it has been classified as a Variant of Uncertain Significance.

Literature cited by the submitters: PubMed 29478780; PubMed 32029870.